The following is an entry in ClinVar:

ClinVar aggregate classification (germline): Uncertain significance (1 of 4 stars; one submission).

Allele frequency attached by ClinVar (database versions not stated): TOPMed 0.00001.

Submission:

Labcorp Genetics (formerly Invitae), Labcorp
Classification: Uncertain significance. Last evaluated: 2022-08-28. Review status: criteria provided, single submitter. Criteria: Invitae Variant Classification Sherloc (09022015). Collection method: clinical testing. Allele origin: germline.
Comment: This variant is not present in population databases (gnomAD no frequency). In summary, the available evidence is currently insufficient to determine the role of this variant in disease. Therefore, it has been classified as a Variant of Uncertain Significance. Advanced modeling of protein sequence and biophysical properties (such as structural, functional, and spatial information, amino acid conservation, physicochemical variation, residue mobility, and thermodynamic stability) performed at Invitae indicates that this missense variant is not expected to disrupt DCHS1 protein function. This variant has not been reported in the literature in individuals affected with DCHS1-related conditions. This sequence change replaces histidine, which is basic and polar, with arginine, which is basic and polar, at codon 328 of the DCHS1 protein (p.His328Arg).

NM_003737.4(DCHS1):c.983A>G (p.His328Arg)

Gene: DCHS1 (dachsous cadherin-related 1; minus strand). Cytogenetic location: 11p15.4.
Variant type: single nucleotide variant.
Coding change: c.983A>G on transcript NM_003737.4 (MANE Select); coding-DNA position 983, A replaced by G.
Protein change: p.His328Arg; replaces histidine 328 with arginine.
Molecular consequence: missense variant.
Genome position (GRCh38, 1-based): chr11:6,640,631, T>C on the plus strand (A>G on the coding strand, the complement: DCHS1 is on the minus strand). VCF-style: chr11-6640631-T-C. GRCh37 (hg19) VCF-style: chr11-6661862-T-C.
Other names: short protein forms H328R.
Identifiers: ClinVar variation 1718240 (VCV001718240.5), dbSNP rs753507326, ClinGen allele CA379438201.